The following is an entry in ClinVar:

NM_006277.3(ITSN2):c.2T>C (p.Met1Thr)

Gene: ITSN2 (intersectin 2; minus strand). Cytogenetic location: 2p23.3.
Variant type: single nucleotide variant.
Coding change: c.2T>C on transcript NM_006277.3 (MANE Select); coding-DNA position 2, T replaced by C.
Protein change: p.Met1Thr; changes the start codon (methionine 1).
Molecular consequence: missense variant, initiator codon variant. On other transcripts: 5 prime UTR variant (2).
Genome position (GRCh38, 1-based): chr2:24,328,081, A>G on the plus strand (T>C on the coding strand, the complement: ITSN2 is on the minus strand). VCF-style: chr2-24328081-A-G. GRCh37 (hg19) VCF-style: chr2-24550950-A-G.
Other names: c.-108T>C (NM_001348181.2, NM_001348184.2); c.2T>C, p.Met1Thr (NM_001348182.2, NM_001348183.2, NM_001348185.2 and 3 more transcripts); short protein forms M1T.
Identifiers: ClinVar variation 2907698 (VCV002907698.3), dbSNP rs150851603, ClinGen allele CA1551901.
Genomic context (GRCh38, chr2:24,328,081, plus strand): 5'-CTCATCTTGCCACAAGCACAAAGCTGCTTACCATTCATAGCTGTGGGAAACTGAGCCATC[A>G]TGGTCCTGAGTTTTCCTTGCTAGCTCTCAGCCATCTGCAACATAAAAATATTGTGCCGTT-3'
Protein context (NP_006268.2, residues 1-11): [Met1Thr]MAQFPTAMNG

ClinVar aggregate classification (germline): Uncertain significance (1 of 4 stars; one submission).

Allele frequency attached by ClinVar (database versions not stated): gnomAD 0.00001; ExAC 0.00002; TOPMed 0.00003; gnomAD exomes 0.00005; ESP Exome Variant Server 0.00015.

Submission:

Labcorp Genetics (formerly Invitae), Labcorp
Classification: Uncertain significance. Last evaluated: 2024-04-05. Review status: criteria provided, single submitter. Criteria: Invitae Variant Classification Sherloc (09022015). Collection method: clinical testing. Allele origin: germline.
Comment: This sequence change affects the initiator methionine of the ITSN2 mRNA. The next in-frame methionine is located at codon 2. This variant is present in population databases (rs150851603, gnomAD 0.003%). This variant has not been reported in the literature in individuals affected with ITSN2-related conditions. Experimental studies and prediction algorithms are not available or were not evaluated, and the functional significance of this variant is currently unknown. In summary, the available evidence is currently insufficient to determine the role of this variant in disease. Therefore, it has been classified as a Variant of Uncertain Significance.